The following is an entry in ClinVar:

ClinVar aggregate classification (germline): Benign/Likely benign. Review status: criteria provided, multiple submitters, no conflicts (2 of 4 stars). 3 submissions from 3 submitters: Benign (1); Likely benign (1). 1 of the submissions does not count toward it. Last evaluated 2025-10-01.

Conditions:
RAB11B-related disorder. Also called: RAB11B-related condition.

Allele frequency attached by ClinVar (database versions not stated): gnomAD 0.00003 and 0.00038; TOPMed 0.00012; gnomAD exomes 0.00087; ExAC 0.00103; 1000 Genomes Project 30x 0.00265; 1000 Genomes Project 0.00300.
gnomAD v4.1: 617 of 1,506,152 alleles (0.041%); highest among the groups gnomAD compares: South Asian, 0.73%; 9 homozygotes.

Submissions (4):

Labcorp Genetics (formerly Invitae), Labcorp
Classification: Benign. Last evaluated: 2025-10-01. Review status: criteria provided, single submitter. Criteria: Invitae Variant Classification Sherloc (09022015). Collection method: clinical testing. Allele origin: germline.

Blueprint Genetics
Classification: Likely benign. Last evaluated: 2024-09-18. Review status: criteria provided, single submitter. Criteria: ACMG Guidelines, 2015. Collection method: clinical testing. Allele origin: germline.

PreventionGenetics, part of Exact Sciences
Classification: Likely benign for RAB11B-related condition. Last evaluated: 2019-11-27. Review status: no assertion criteria provided. Collection method: clinical testing. Allele origin: germline. Not counted in ClinVar's aggregate classification.
Comment: This variant is classified as likely benign based on ACMG/AMP sequence variant interpretation guidelines (Richards et al. 2015 PMID: 25741868, with internal and published modifications).

Dr. Peter K. Rogan Lab, Western University
No classification provided (evidence only). Condition: Malignant tumor of urinary bladder. Review status: no classification provided. Collection method: in vitro. Allele origin: not applicable. Functional consequence: retained intron. Not counted in ClinVar's aggregate classification.

NM_004218.4(RAB11B):c.40+7C>T

Genes: RAB11B (RAB11B, member RAS oncogene family; plus strand), RAB11B-AS1 (RAB11B antisense RNA 1; minus strand). Cytogenetic location: 19p13.2.
Variant type: single nucleotide variant.
Coding change: c.40+7C>T on transcript NM_004218.4 (MANE Select); 7 bases into the intron after coding-DNA position 40, C replaced by T.
Molecular consequence: intron variant. On other transcripts: non-coding transcript variant (1).
Genome position (GRCh38, 1-based): chr19:8,390,463, C>T. VCF-style: chr19-8390463-C-T. GRCh37 (hg19) VCF-style: chr19-8455347-C-T.
Other names: c.40+7C>T (NM_004218.3).
Identifiers: ClinVar variation 1610479 (VCV001610479.12), dbSNP rs565286209, ClinGen allele CA9156262.